The following is an entry in ClinVar:

NM_005515.4(MNX1):c.998T>C (p.Leu333Pro)

Gene: MNX1 (motor neuron and pancreas homeobox 1; minus strand). Cytogenetic location: 7q36.3.
Variant type: single nucleotide variant.
Coding change: c.998T>C on transcript NM_005515.4 (MANE Select); coding-DNA position 998, T replaced by C.
Protein change: p.Leu333Pro; replaces leucine 333 with proline.
Molecular consequence: missense variant.
Genome position (GRCh38, 1-based): chr7:157,005,728, A>G on the plus strand (T>C on the coding strand, the complement: MNX1 is on the minus strand). VCF-style: chr7-157005728-A-G. GRCh37 (hg19) VCF-style: chr7-156798422-A-G.
Other names: c.362T>C, p.Leu121Pro (NM_001165255.2); short protein forms L121P, L333P.
Identifiers: ClinVar variation 4707230 (VCV004707230.1).

ClinVar aggregate classification (germline): Uncertain significance (1 of 4 stars; one submission).

gnomAD v4.1: 4 of 1,609,648 alleles (0.00025%); highest among the groups gnomAD compares: South Asian, 0.0033%; no homozygotes.

Submission:

Labcorp Genetics (formerly Invitae), Labcorp
Classification: Uncertain significance. Last evaluated: 2026-01-24. Review status: criteria provided, single submitter. Criteria: Invitae Variant Classification Sherloc (09022015). Collection method: clinical testing. Allele origin: germline.
Comment: This sequence change replaces leucine, which is neutral and non-polar, with proline, which is neutral and non-polar, at codon 333 of the MNX1 protein (p.Leu333Pro). This variant is present in population databases (rs776895082, gnomAD 0.007%). This variant has not been reported in the literature in individuals affected with MNX1-related conditions. Invitae Evidence Modeling of protein sequence and biophysical properties (such as structural, functional, and spatial information, amino acid conservation, physicochemical variation, residue mobility, and thermodynamic stability) indicates that this missense variant is not expected to disrupt MNX1 protein function with a negative predictive value of 80%. In summary, the available evidence is currently insufficient to determine the role of this variant in disease. Therefore, it has been classified as a Variant of Uncertain Significance.